The following is an entry in ClinVar:

NM_016204.4(GDF2):c.478G>A (p.Val160Met)

Gene: GDF2 (growth differentiation factor 2; plus strand). Cytogenetic location: 10q11.22.
Variant type: single nucleotide variant.
Coding change: c.478G>A on transcript NM_016204.4 (MANE Select); coding-DNA position 478, G replaced by A.
Protein change: p.Val160Met; replaces valine 160 with methionine.
Molecular consequence: missense variant.
Genome position (GRCh38, 1-based): chr10:47,324,972, G>A. VCF-style: chr10-47324972-G-A. GRCh37 (hg19) VCF-style: chr10-48414390-C-T.
Other names: c.478G>A (NM_016204.3); short protein forms V160M.
Identifiers: ClinVar variation 697085 (VCV000697085.12), dbSNP rs144705412, ClinGen allele CA5488099.
Genomic context (GRCh38, chr10:47,324,972, plus strand): 5'-CCTAGGCATGAGCAGATCACCAGAGCTGAGCTCCGACTCTATGTCTCCTGTCAAAATCAC[G>A]TGGACCCCTCTCATGACCTGAAAGGAAGCGTGGTCATTTATGATGTTCTGGATGGAACAG-3'
Protein context (NP_057288.1, residues 150-170): LRLYVSCQNH[Val160Met]DPSHDLKGSV

ClinVar aggregate classification (germline): Likely benign. Review status: criteria provided, single submitter (1 of 4 stars). 2 submissions from 2 submitters: Likely benign (1). 1 of the submissions does not count toward it. Last evaluated 2025-09-14.

Conditions:
GDF2-related disorder. Also called: GDF2-related condition.
Telangiectasia, hereditary hemorrhagic, type 5 (HHT5). Identifiers: Orphanet 774, MedGen C3809710, MONDO:0014217, OMIM 615506.

Allele frequency attached by ClinVar (database versions not stated): ExAC 0.00015; gnomAD exomes 0.00018 and 0.00005; gnomAD 0.00004; ESP Exome Variant Server 0.00008; TOPMed 0.00011.

Submissions (2):

Labcorp Genetics (formerly Invitae), Labcorp
Classification: Likely benign for Telangiectasia, hereditary hemorrhagic, type 5. Last evaluated: 2025-09-14. Review status: criteria provided, single submitter. Criteria: Invitae Variant Classification Sherloc (09022015). Collection method: clinical testing. Allele origin: germline.

PreventionGenetics, part of Exact Sciences
Classification: Likely benign for GDF2-related condition. Last evaluated: 2022-09-19. Review status: no assertion criteria provided. Collection method: clinical testing. Allele origin: germline. Not counted in ClinVar's aggregate classification.
Comment: This variant is classified as likely benign based on ACMG/AMP sequence variant interpretation guidelines (Richards et al. 2015 PMID: 25741868, with internal and published modifications).